The following is an entry in ClinVar:

ClinVar aggregate classification (germline): Uncertain significance (1 of 4 stars; one submission).

Conditions:
Aortic valve disease 2 (AOVD2). Identifiers: MedGen C3542024, MONDO:0013902, OMIM 614823.

gnomAD v4.1: 1 of 1,605,970 alleles (0.000062%); highest among the groups gnomAD compares: Non-Finnish European, 0.000085%; no homozygotes.

Submission:

Labcorp Genetics (formerly Invitae), Labcorp
Classification: Uncertain significance for Aortic valve disease 2. Last evaluated: 2020-11-17. Review status: criteria provided, single submitter. Criteria: Invitae Variant Classification Sherloc (09022015). Collection method: clinical testing. Allele origin: germline.
Comment: This variant has not been reported in the literature in individuals with SMAD6-related conditions. Algorithms developed to predict the effect of missense changes on protein structure and function (SIFT, PolyPhen-2, Align-GVGD) all suggest that this variant is likely to be disruptive, but these predictions have not been confirmed by published functional studies and their clinical significance is uncertain. In summary, the available evidence is currently insufficient to determine the role of this variant in disease. Therefore, it has been classified as a Variant of Uncertain Significance. This variant is not present in population databases (ExAC no frequency). This sequence change replaces glycine with valine at codon 344 of the SMAD6 protein (p.Gly344Val). The glycine residue is highly conserved and there is a moderate physicochemical difference between glycine and valine.

NM_005585.5(SMAD6):c.1031G>T (p.Gly344Val)

Gene: SMAD6 (SMAD family member 6; plus strand). Cytogenetic location: 15q22.31.
Variant type: single nucleotide variant.
Coding change: c.1031G>T on transcript NM_005585.5 (MANE Select); coding-DNA position 1031, G replaced by T.
Protein change: p.Gly344Val; replaces glycine 344 with valine.
Molecular consequence: missense variant. On other transcripts: non-coding transcript variant (1).
Genome position (GRCh38, 1-based): chr15:66,781,075, G>T. VCF-style: chr15-66781075-G-T. GRCh37 (hg19) VCF-style: chr15-67073413-G-T.
Other names: short protein forms G344V.
Identifiers: ClinVar variation 1470274 (VCV001470274.6), dbSNP rs2140681275, ClinGen allele CA393201713.
Genomic context (GRCh38, chr15:66,781,075, plus strand): 5'-ACGCCACCAAGCCGAGCCACTGGTGCAGCGTGGCGTACTGGGAGCACCGGACGCGCGTGG[G>T]CCGCCTCTATGCGGTGTACGACCAGGCCGTCAGCATCTTCTACGACCTACCTCAGGGCAG-3'
Protein context (NP_005576.3, residues 334-354): VAYWEHRTRV[Gly344Val]RLYAVYDQAV